The following is an entry in ClinVar:

ClinVar aggregate classification (germline): Uncertain significance (1 of 4 stars; one submission).

Conditions:
Charcot-Marie-Tooth disease type 4. Also called: Charcot-Marie-Tooth, Type 4; Charcot-Marie-Tooth disease, type IV. Identifiers: Orphanet 64749, MedGen C4082197, MONDO:0018995.

Allele frequency attached by ClinVar (database versions not stated): gnomAD exomes below 0.00001.
gnomAD v4.1: 1 of 1,614,202 alleles (0.000062%); highest among the groups gnomAD compares: South Asian, 0.0011%; no homozygotes.

Submission:

Labcorp Genetics (formerly Invitae), Labcorp
Classification: Uncertain significance for Charcot-Marie-Tooth disease type 4. Last evaluated: 2022-07-26. Review status: criteria provided, single submitter. Criteria: Invitae Variant Classification Sherloc (09022015). Collection method: clinical testing. Allele origin: germline.
Comment: This sequence change replaces histidine, which is basic and polar, with arginine, which is basic and polar, at codon 142 of the SH3TC2 protein (p.His142Arg). This variant is present in population databases (no rsID available, gnomAD 0.004%). This variant has not been reported in the literature in individuals affected with SH3TC2-related conditions. ClinVar contains an entry for this variant (Variation ID: 641412). Advanced modeling of protein sequence and biophysical properties (such as structural, functional, and spatial information, amino acid conservation, physicochemical variation, residue mobility, and thermodynamic stability) performed at Invitae indicates that this missense variant is not expected to disrupt SH3TC2 protein function. In summary, the available evidence is currently insufficient to determine the role of this variant in disease. Therefore, it has been classified as a Variant of Uncertain Significance.

NM_024577.4(SH3TC2):c.425A>G (p.His142Arg)

Gene: SH3TC2 (SH3 domain and tetratricopeptide repeats 2; minus strand). Cytogenetic location: 5q32.
Variant type: single nucleotide variant.
Coding change: c.425A>G on transcript NM_024577.4 (MANE Select); coding-DNA position 425, A replaced by G.
Protein change: p.His142Arg; replaces histidine 142 with arginine.
Molecular consequence: missense variant.
Genome position (GRCh38, 1-based): chr5:149,042,798, T>C on the plus strand (A>G on the coding strand, the complement: SH3TC2 is on the minus strand). VCF-style: chr5-149042798-T-C. GRCh37 (hg19) VCF-style: chr5-148422361-T-C.
Other names: short protein forms H142R.
Identifiers: ClinVar variation 641412 (VCV000641412.6), dbSNP rs1168407927, ClinGen allele CA361676060.